The following is an entry in ClinVar:

NM_001372043.1(PCSK5):c.591C>T (p.Asp197=)

Gene: PCSK5 (proprotein convertase subtilisin/kexin type 5; plus strand). Cytogenetic location: 9q21.13.
Variant type: single nucleotide variant.
Coding change: c.591C>T on transcript NM_001372043.1 (MANE Select); coding-DNA position 591, C replaced by T.
Protein change: p.Asp197=; no amino-acid change (aspartic acid 197 retained).
Molecular consequence: synonymous variant. On other transcripts: non-coding transcript variant (1).
Genome position (GRCh38, 1-based): chr9:76,026,996, C>T. VCF-style: chr9-76026996-C-T. GRCh37 (hg19) VCF-style: chr9-78641912-C-T.
Other names: c.591C>T, p.Asp197= (NM_001190482.2, NM_006200.6).
Identifiers: ClinVar variation 3054390 (VCV003054390.2), dbSNP rs774726717, ClinGen allele CA5086478.

ClinVar aggregate classification (germline): Likely benign (0 of 4 stars; one submission).

Conditions:
PCSK5-related disorder. Also called: PCSK5-related condition.

Allele frequency attached by ClinVar (database versions not stated): gnomAD 0.00003; gnomAD exomes 0.00006; TOPMed 0.00015; ExAC 0.00019.
gnomAD v4.1: 83 of 1,609,664 alleles (0.0052%); highest among the groups gnomAD compares: Admixed American, 0.14%; 1 homozygote.

Submission:

PreventionGenetics, part of Exact Sciences
Classification: Likely benign for PCSK5-related condition. Last evaluated: 2023-11-16. Review status: no assertion criteria provided. Collection method: clinical testing. Allele origin: germline.
Comment: This variant is classified as likely benign based on ACMG/AMP sequence variant interpretation guidelines (Richards et al. 2015 PMID: 25741868, with internal and published modifications).